The following is an entry in ClinVar:

ClinVar aggregate classification (germline): Benign. Review status: criteria provided, multiple submitters, no conflicts (2 of 4 stars). 5 submissions from 5 submitters: Benign (5). Last evaluated 2026-01-28.

Conditions:
Intestinal hypomagnesemia 1. Also called: HYPOMAGNESEMIA, INTESTINAL, WITH SECONDARY HYPOCALCEMIA; HYPOMAGNESEMIC TETANY. Identifiers: Orphanet 30924, MedGen C1865974, MONDO:0011176, OMIM 602014.

Allele frequency attached by ClinVar (database versions not stated): gnomAD exomes 0.00290 and 0.00741; ExAC 0.00911; gnomAD 0.02763 and 0.02960; ESP Exome Variant Server 0.03145; TOPMed 0.03261; 1000 Genomes Project 0.03275; 1000 Genomes Project 30x 0.03545.
gnomAD v4.1: 8,599 of 1,607,032 alleles (0.54%); highest among the groups gnomAD compares: African/African-American, 9.5%; 348 homozygotes.

Submissions (5):

Labcorp Genetics (formerly Invitae), Labcorp
Classification: Benign. Last evaluated: 2026-01-28. Review status: criteria provided, single submitter. Criteria: Invitae Variant Classification Sherloc (09022015). Collection method: clinical testing. Allele origin: germline.

Mayo Clinic Laboratories, Mayo Clinic
Classification: Benign. Last evaluated: 2022-03-09. Review status: criteria provided, single submitter. Criteria: ACMG Guidelines, 2015. Collection method: clinical testing. Allele origin: germline. Observed: 7 variant alleles.

GeneDx
Classification: Benign. Last evaluated: 2021-05-06. Review status: criteria provided, single submitter. Criteria: GeneDx Variant Classification Process June 2021. Collection method: clinical testing. Allele origin: germline. Affected: yes.

Illumina Laboratory Services, Illumina
Classification: Benign for Intestinal hypomagnesemia 1. Last evaluated: 2018-01-13. Review status: criteria provided, single submitter. Criteria: ICSL Variant Classification Criteria 13 December 2019. Collection method: clinical testing. Allele origin: germline.
Comment: This variant was observed in the ICSL laboratory as part of a predisposition screen in an ostensibly healthy population. It had not been previously curated by ICSL or reported in the Human Gene Mutation Database (HGMD: prior to June 1st, 2018), and was therefore a candidate for classification through an automated scoring system. Utilizing variant allele frequency, disease prevalence and penetrance estimates, and inheritance mode, an automated score was calculated to assess if this variant is too frequent to cause the disease. Based on the score and internal cut-off values, a variant classified as benign is not then subjected to further curation. The score for this variant resulted in a classification of benign for this disease.

Breakthrough Genomics
Classification: Benign. Review status: criteria provided, single submitter. Criteria: ACMG Guidelines, 2015. Collection method: not provided. Allele origin: germline. Inheritance: Autosomal recessive inheritance. Affected: yes.

NM_017662.5(TRPM6):c.1639C>T (p.His547Tyr)

Gene: TRPM6 (transient receptor potential cation channel subfamily M member 6; minus strand). Cytogenetic location: 9q21.13.
Variant type: single nucleotide variant.
Coding change: c.1639C>T on transcript NM_017662.5 (MANE Select); coding-DNA position 1639, C replaced by T.
Protein change: p.His547Tyr; replaces histidine 547 with tyrosine.
Molecular consequence: missense variant.
Genome position (GRCh38, 1-based): chr9:74,803,886, G>A on the plus strand (C>T on the coding strand, the complement: TRPM6 is on the minus strand). VCF-style: chr9-74803886-G-A. GRCh37 (hg19) VCF-style: chr9-77418802-G-A.
Other names: p.His547Tyr; c.1624C>T, p.His542Tyr (NM_001177310.2, NM_001177311.2); short protein forms H547Y, H542Y.
Identifiers: ClinVar variation 367322 (VCV000367322.18), dbSNP rs115354606, ClinGen allele CA5084766.